The following is an entry in ClinVar:

ClinVar aggregate classification (germline): Uncertain significance (1 of 4 stars; one submission).

Allele frequency attached by ClinVar (database versions not stated): gnomAD exomes below 0.00001.
gnomAD v4.1: 2 of 1,613,260 alleles (0.00012%); highest among the groups gnomAD compares: Non-Finnish European, 0.00017%; no homozygotes.

Submission:

CeGaT Center for Human Genetics Tuebingen
Classification: Uncertain significance. Last evaluated: 2022-03-01. Review status: criteria provided, single submitter. Criteria: CeGaT Center For Human Genetics Tuebingen Variant Classification Criteria Version 2. Collection method: clinical testing. Allele origin: germline. Affected: yes. Observed: 1 variant allele.
Comment: ZFYVE26: PM2

NM_015346.4(ZFYVE26):c.3806C>T (p.Pro1269Leu)

Gene: ZFYVE26 (zinc finger FYVE-type containing 26; minus strand). Cytogenetic location: 14q24.1.
Variant type: single nucleotide variant.
Coding change: c.3806C>T on transcript NM_015346.4 (MANE Select); coding-DNA position 3806, C replaced by T.
Protein change: p.Pro1269Leu; replaces proline 1269 with leucine.
Molecular consequence: missense variant.
Genome position (GRCh38, 1-based): chr14:67,783,346, G>A on the plus strand (C>T on the coding strand, the complement: ZFYVE26 is on the minus strand). VCF-style: chr14-67783346-G-A. GRCh37 (hg19) VCF-style: chr14-68250063-G-A.
Other names: short protein forms P1269L.
Identifiers: ClinVar variation 1675541 (VCV001675541.33), dbSNP rs2140223671, ClinGen allele CA390171443.